The following is an entry in ClinVar:

ClinVar aggregate classification (germline): Pathogenic/Likely pathogenic. Review status: criteria provided, multiple submitters, no conflicts (2 of 4 stars). 3 submissions from 3 submitters: Pathogenic (1); Likely pathogenic (2). Last evaluated 2025-12-07.

Conditions:
Miyoshi muscular dystrophy 1 (MMD1). Identifiers: Orphanet 45448, MedGen C4551973, MONDO:0024545, OMIM 254130.
Autosomal recessive limb-girdle muscular dystrophy type 2B (LGMDR2). Also called: MUSCULAR DYSTROPHY, LIMB-GIRDLE, TYPE 3; Limb-Girdle Muscular Dystrophy Type 2B (LGMD2B); Limb-girdle muscular dystrophy, type 2B; MUSCULAR DYSTROPHY, LIMB-GIRDLE, AUTOSOMAL RECESSIVE 2. Identifiers: Orphanet 268, MedGen C1850889, MONDO:0009676, OMIM 253601.
Distal myopathy with anterior tibial onset. Identifiers: Orphanet 178400, MedGen C1847532, MONDO:0011721, OMIM 606768.
Neuromuscular disease caused by qualitative or quantitative defects of dysferlin. Also called: Dysferlinopathy; Qualitative or quantitative defects of dysferlin. Identifiers: Orphanet 207073, MedGen C2931687, MONDO:0016145.

Submissions (3):

Labcorp Genetics (formerly Invitae), Labcorp
Classification: Likely pathogenic for Neuromuscular disease caused by qualitative or quantitative defects of dysferlin. Last evaluated: 2025-12-07. Review status: criteria provided, single submitter. Criteria: Invitae Variant Classification Sherloc (09022015). Collection method: clinical testing. Allele origin: germline.
Comment: This sequence change affects an acceptor splice site in intron 44 of the DYSF gene. It is expected to disrupt RNA splicing. Variants that disrupt the donor or acceptor splice site typically lead to a loss of protein function (PMID: 16199547), and loss-of-function variants in DYSF are known to be pathogenic (PMID: 17698709, 20301480). This variant is not present in population databases (gnomAD no frequency). This variant has not been reported in the literature in individuals affected with DYSF-related conditions. ClinVar contains an entry for this variant (Variation ID: 285665). Algorithms developed to predict the effect of sequence changes on RNA splicing suggest that this variant may disrupt the consensus splice site. In summary, the currently available evidence indicates that the variant is pathogenic, but additional data are needed to prove that conclusively. Therefore, this variant has been classified as Likely Pathogenic.

Fulgent Genetics
Classification: Likely pathogenic for Autosomal recessive limb-girdle muscular dystrophy type 2B; Miyoshi muscular dystrophy 1; Distal myopathy with anterior tibial onset. Last evaluated: 2024-02-02. Review status: criteria provided, single submitter. Criteria: ACMG Guidelines, 2015. Collection method: clinical testing. Allele origin: germline.

Eurofins Ntd Llc (ga)
Classification: Pathogenic. Last evaluated: 2016-01-14. Review status: criteria provided, single submitter. Criteria: EGL Classification Definitions 2015. Collection method: clinical testing. Allele origin: germline. Observed: 1 variant allele, 1 heterozygote.

Literature cited by the submitters: PubMed 16199547 (cited by Labcorp Genetics (formerly Invitae), Labcorp); PubMed 17698709 (cited by Labcorp Genetics (formerly Invitae), Labcorp); PubMed 20301480 (cited by Labcorp Genetics (formerly Invitae), Labcorp).

NM_001130987.2(DYSF):c.5004-1G>A

Gene: DYSF (dysferlin; plus strand). Cytogenetic location: 2p13.2.
Variant type: single nucleotide variant.
Coding change: c.5004-1G>A on transcript NM_001130987.2 (MANE Select); the canonical splice acceptor site of the intron before coding-DNA position 5004, G replaced by A.
Molecular consequence: splice acceptor variant.
Genome position (GRCh38, 1-based): chr2:71,664,267, G>A. VCF-style: chr2-71664267-G-A. GRCh37 (hg19) VCF-style: chr2-71891397-G-A.
Other names: c.4980-1G>A (NM_001130979.2); c.5001-1G>A (NM_001130981.2); c.4938-1G>A (NM_001130980.2); c.4950-1G>A (NM_001130978.2); c.4887-1G>A (NM_003494.4); c.4908-1G>A (NM_001130977.2); c.4845-1G>A (NM_001130976.2); c.4983-1G>A (NM_001130982.2); and 5 more.
Identifiers: ClinVar variation 285665 (VCV000285665.7), dbSNP rs886043170, ClinGen allele CA10605197.